The following is an entry in ClinVar:

ClinVar aggregate classification (germline): Pathogenic (1 of 4 stars; one submission).

Conditions:
Seckel syndrome 11. Identifiers: MedGen C5935595, MONDO:0958328, OMIM 620767.

Submission:

Randwick Genomics Laboratory, Prince of Wales Hospital Sydney, Australia, New South Wales Health Pathology
Classification: Pathogenic for Seckel syndrome 11. Last evaluated: 2026-11-13. Review status: criteria provided, single submitter. Criteria: ACMG Guidelines, 2015. Collection method: clinical testing. Allele origin: germline. Inheritance: Autosomal recessive inheritance. Affected: yes. Observed: 1 variant allele.
Comment: A homozygous PATHOGENIC 2bp deletion is present in CEP295 INTERPRETATION A homozygous frameshift variant is present in the gene encoding Centrosomal protein 295 (CEP295). CEP295 is a member of the centrosome protein family, which comprises a group of proteins that are essential for centriole biogenesis and microtubule organisation. CEP295 has been shown to be required for centriole elongation, maintaining centrosome integrity, and the formation of cilia (PMID: 27185865, 38200359, 38154379). Pathogenic variants in this gene are associated with autosomal recessive Seckel syndrome 11 (MIM 620767), which is characterised by severe primary microcephaly, short stature, developmental delay, impaired intellectual development, facial dysmorphisms, and digital abnormalities. There have been four cases reported in the literature from two unrelated families (PMID: 38154379). The gene-disease relationship was established in 2024. The homozygous CEP295:c.5248_5249del is a 2 base pair deletion that results in a translational frameshift commencing at codon 1750 with a premature stop occuring 5 residues downstream within the same exon - p. (Leu1750Glufs*5). This variant has not been reported in the medical literature or the Clinvar database. There is a single allele present in the population control database gnomAD v4, consistent with low level carrier frequency. The variant is in exon 15 of 30, therefore variant-containing transcripts are predicted to undergo nonsense mediated mRNA decay and result in reduced or absent protein expression. Pathogenicity summary: The CEP295:c.5248_5249del variant is classified as Pathogenic as it has the following characteristics: PVS1: Null variant in a gene where loss of function is a known mechanism of disease. PM2_supporting: Present at very low frequency in gnomAD v4. COMMENT The findings are consistent with the clinical presentation. This result does not exclude the possibility that there is a genetic cause of the disorder in this patient. This result should be considered in the whole clinical context of the patient's presentation. Zygosity: 1 Homozygote

NM_033395.2(CEP295):c.5248_5249del (p.Leu1750fs)

Gene: CEP295 (centrosomal protein 295; plus strand). Cytogenetic location: 11q21.
Variant type: Deletion.
Coding change: c.5248_5249del on transcript NM_033395.2 (MANE Select); coding-DNA positions 5248 to 5249, 2 bases deleted (TT; older notation c.5248_5249delTT).
Protein change: p.Leu1750fs; shifts the reading frame from leucine 1750.
Molecular consequence: frameshift variant.
Genome position (GRCh38, 1-based): chr11:93,700,160-93,700,161, TT deleted; deleting any 2 consecutive bases within chr11:93,700,159-93,700,161 gives the same sequence; the c. name uses the placement nearest the transcript's 3' end. VCF-style (leftmost placement, unchanged base first): chr11-93700158-CTT-C. GRCh37 (hg19) VCF-style: chr11-93433324-CTT-C.
Other names: short protein forms L1750fs.
Identifiers: ClinVar variation 5043369 (VCV005043369.1).